The following is an entry in ClinVar:

ClinVar aggregate classification (germline): Pathogenic (1 of 4 stars; one submission).

Conditions:
Glutaric aciduria, type 1. Also called: Glutaricaciduria, type I; Glutaryl-CoA dehydrogenase deficiency; Glutaric acidemia type I; Glutaricacidemia Type 1; GA I; Glutaric Acidemia Type 1. Identifiers: Orphanet 25, MedGen C0268595, MONDO:0009281, OMIM 231670.

Submission:

Labcorp Genetics (formerly Invitae), Labcorp
Classification: Pathogenic for Glutaric aciduria, type 1. Last evaluated: 2023-06-16. Review status: criteria provided, single submitter. Criteria: Invitae Variant Classification Sherloc (09022015). Collection method: clinical testing. Allele origin: germline.
Comment: For these reasons, this variant has been classified as Pathogenic. This variant disrupts a region of the GCDH protein in which other variant(s) (p.Ala382Thr) have been determined to be pathogenic (PMID: 27629047, 33064266). This suggests that this is a clinically significant region of the protein, and that variants that disrupt it are likely to be disease-causing. This variant has not been reported in the literature in individuals affected with GCDH-related conditions. This variant is not present in population databases (gnomAD no frequency). This sequence change creates a premature translational stop signal (p.Asp380Thrfs*21) in the GCDH gene. While this is not anticipated to result in nonsense mediated decay, it is expected to disrupt the last 59 amino acid(s) of the GCDH protein.

Literature cited by the submitters: PubMed 27629047; PubMed 33064266.

NM_000159.4(GCDH):c.1138del (p.Asp380fs)

Gene: GCDH (glutaryl-CoA dehydrogenase; plus strand). Cytogenetic location: 19p13.13.
Variant type: Deletion.
Coding change: c.1138del on transcript NM_000159.4 (MANE Select); coding-DNA position 1138, one base deleted (G; older notation c.1138delG).
Protein change: p.Asp380fs; shifts the reading frame from aspartic acid 380.
Molecular consequence: frameshift variant. On other transcripts: non-coding transcript variant (2).
Genome position (GRCh38, 1-based): chr19:12,897,758, G deleted; the last of 2 consecutive G bases (chr19:12,897,757-12,897,758); deleting either gives the same sequence. VCF-style (leftmost placement, unchanged base first): chr19-12897756-TG-T. GRCh37 (hg19) VCF-style: chr19-13008570-TG-T.
Other names: c.1138del, p.Asp380fs (NM_013976.5); short protein forms D380fs.
Identifiers: ClinVar variation 2717488 (VCV002717488.3), dbSNP rs2512577406, ClinGen allele CA2697556330.